The following is an entry in ClinVar:

NM_021922.3(FANCE):c.1309A>G (p.Met437Val)

Gene: FANCE (FA complementation group E; plus strand). Cytogenetic location: 6p21.31.
Variant type: single nucleotide variant.
Coding change: c.1309A>G on transcript NM_021922.3 (MANE Select); coding-DNA position 1309, A replaced by G.
Protein change: p.Met437Val; replaces methionine 437 with valine.
Molecular consequence: missense variant.
Genome position (GRCh38, 1-based): chr6:35,459,753, A>G. VCF-style: chr6-35459753-A-G. GRCh37 (hg19) VCF-style: chr6-35427530-A-G.
Other names: short protein forms M437V.
Identifiers: ClinVar variation 471919 (VCV000471919.5), dbSNP rs746770705, ClinGen allele CA3771661.

ClinVar aggregate classification (germline): Conflicting classifications of pathogenicity. Review status: criteria provided, conflicting classifications (1 of 4 stars). 3 submissions from 3 submitters: Uncertain significance (2); Likely benign (1). Last evaluated 2024-06-03.

Conditions:
Fanconi anemia complementation group E (FANCE). Also called: FANCE-Related Fanconi Anemia. Identifiers: Orphanet 84, MedGen C3160739, MONDO:0010953, OMIM 600901.
Inborn genetic diseases. Identifiers: MedGen C0950123, MeSH D030342.

Allele frequency attached by ClinVar (database versions not stated): gnomAD 0.00001 and 0.00003; TOPMed 0.00003; gnomAD exomes 0.00007 and 0.00014; ExAC 0.00016.
gnomAD v4.1: 111 of 1,613,832 alleles (0.0069%); highest among the groups gnomAD compares: South Asian, 0.1%; no homozygotes.

Submissions (3):

Ambry Genetics
Classification: Likely benign for Inborn genetic diseases. Last evaluated: 2024-06-03. Review status: criteria provided, single submitter. Criteria: Ambry Variant Classification Scheme 2023. Collection method: clinical testing. Allele origin: germline.

Labcorp Genetics (formerly Invitae), Labcorp
Classification: Uncertain significance for Fanconi anemia complementation group E. Last evaluated: 2022-08-20. Review status: criteria provided, single submitter. Criteria: Invitae Variant Classification Sherloc (09022015). Collection method: clinical testing. Allele origin: germline.
Comment: This sequence change replaces methionine, which is neutral and non-polar, with valine, which is neutral and non-polar, at codon 437 of the FANCE protein (p.Met437Val). This variant is present in population databases (rs746770705, gnomAD 0.1%). This variant has not been reported in the literature in individuals affected with FANCE-related conditions. ClinVar contains an entry for this variant (Variation ID: 471919). Algorithms developed to predict the effect of missense changes on protein structure and function (SIFT, PolyPhen-2, Align-GVGD) all suggest that this variant is likely to be tolerated. In summary, the available evidence is currently insufficient to determine the role of this variant in disease. Therefore, it has been classified as a Variant of Uncertain Significance.

Fulgent Genetics
Classification: Uncertain significance for Fanconi anemia complementation group E. Last evaluated: 2022-02-04. Review status: criteria provided, single submitter. Criteria: ACMG Guidelines, 2015. Collection method: clinical testing. Allele origin: unknown.